The following is an entry in ClinVar:

NM_001267550.2(TTN):c.93129C>G (p.Asp31043Glu)

Genes: TTN (titin; minus strand), TTN-AS1 (TTN antisense RNA 1; plus strand). Cytogenetic location: 2q31.2.
Variant type: single nucleotide variant.
Coding change: c.93129C>G on transcript NM_001267550.2 (MANE Select); coding-DNA position 93129, C replaced by G.
Protein change: p.Asp31043Glu; replaces aspartic acid 31043 with glutamic acid.
Molecular consequence: missense variant.
Genome position (GRCh38, 1-based): chr2:178,548,497, G>C on the plus strand (C>G on the coding strand, the complement: TTN is on the minus strand). VCF-style: chr2-178548497-G-C. GRCh37 (hg19) VCF-style: chr2-179413224-G-C.
Other names: c.88206C>G, p.Asp29402Glu (NM_001256850.1); c.65934C>G, p.Asp21978Glu (NM_003319.4); c.85425C>G, p.Asp28475Glu (NM_133378.4); c.66309C>G, p.Asp22103Glu (NM_133432.3); c.66510C>G, p.Asp22170Glu (NM_133437.4); short protein forms D21978E, D22103E, D22170E, D28475E, D29402E, D31043E.
Identifiers: ClinVar variation 3342917 (VCV003342917.2).

ClinVar aggregate classification (germline): Uncertain significance (1 of 4 stars; one submission).

gnomAD v4.1: 4 of 1,613,718 alleles (0.00025%); highest among the groups gnomAD compares: Admixed American, 0.0067%; no homozygotes.

Submission:

GeneDx
Classification: Uncertain significance. Last evaluated: 2025-03-13. Review status: criteria provided, single submitter. Criteria: GeneDx Variant Classification Process June 2021. Collection method: clinical testing. Allele origin: germline.
Comment: Not observed at significant frequency in large population cohorts (gnomAD); Missense variant in a gene in which most reported pathogenic variants are truncating/loss of function; Has not been previously published as pathogenic or benign to our knowledge